The following is an entry in ClinVar:

ClinVar aggregate classification (germline): Uncertain significance (1 of 4 stars; one submission).

Conditions:
Hereditary cancer-predisposing syndrome. Also called: Tumor predisposition; Hereditary Cancer Syndrome; Hereditary neoplastic syndrome; Neoplastic Syndromes, Hereditary. Identifiers: Orphanet 140162, MedGen C0027672, MeSH D009386, MONDO:0015356.

Submission:

Ambry Genetics
Classification: Uncertain significance for Hereditary cancer-predisposing syndrome. Last evaluated: 2024-04-17. Review status: criteria provided, single submitter. Criteria: Ambry Variant Classification Scheme 2023. Collection method: clinical testing. Allele origin: germline.
Comment: The p.L378R variant (also known as c.1133T>G), located in coding exon 8 of the POLD1 gene, results from a T to G substitution at nucleotide position 1133. The leucine at codon 378 is replaced by arginine, an amino acid with dissimilar properties. This amino acid position is conserved. In addition, this alteration is predicted to be deleterious by in silico analysis. Based on the available evidence, the clinical significance of this variant remains unclear.

NM_002691.4(POLD1):c.1133T>G (p.Leu378Arg)

Gene: POLD1 (DNA polymerase delta 1, catalytic subunit; plus strand). Cytogenetic location: 19q13.33.
Variant type: single nucleotide variant.
Coding change: c.1133T>G on transcript NM_002691.4 (MANE Select); coding-DNA position 1133, T replaced by G.
Protein change: p.Leu378Arg; replaces leucine 378 with arginine.
Molecular consequence: missense variant. On other transcripts: non-coding transcript variant (1).
Genome position (GRCh38, 1-based): chr19:50,403,215, T>G. VCF-style: chr19-50403215-T-G. GRCh37 (hg19) VCF-style: chr19-50906472-T-G.
Other names: c.1133T>G, p.Leu378Arg (NM_001256849.1, NM_001308632.1); short protein forms L378R.
Identifiers: ClinVar variation 3308287 (VCV003308287.1).